The following is an entry in ClinVar:

ClinVar aggregate classification (germline): Uncertain significance. Review status: criteria provided, multiple submitters, no conflicts (2 of 4 stars). 2 submissions from 2 submitters: Uncertain significance (2). Last evaluated 2023-05-19.

Conditions:
Tumor predisposition syndrome 3 (TPDS3). Also called: Melanoma, cutaneous malignant, susceptibility to, 10; Glioma susceptibility 9; LONG TELOMERE SYNDROME, POT1-RELATED; POT1 Tumor Predisposition. Identifiers: Orphanet 618, MedGen C4014476, MONDO:0014368, OMIM 615848.
Hereditary cancer-predisposing syndrome. Also called: Tumor predisposition; Hereditary Cancer Syndrome; Neoplastic Syndromes, Hereditary; Hereditary neoplastic syndrome. Identifiers: Orphanet 140162, MedGen C0027672, MeSH D009386, MONDO:0015356.

Submissions (2):

Labcorp Genetics (formerly Invitae), Labcorp
Classification: Uncertain significance for Tumor predisposition syndrome 3. Last evaluated: 2023-05-19. Review status: criteria provided, single submitter. Criteria: Invitae Variant Classification Sherloc (09022015). Collection method: clinical testing. Allele origin: germline.
Comment: Advanced modeling of protein sequence and biophysical properties (such as structural, functional, and spatial information, amino acid conservation, physicochemical variation, residue mobility, and thermodynamic stability) performed at Invitae indicates that this missense variant is not expected to disrupt POT1 protein function. ClinVar contains an entry for this variant (Variation ID: 955860). This variant has not been reported in the literature in individuals affected with POT1-related conditions. This variant is not present in population databases (gnomAD no frequency). This sequence change replaces aspartic acid, which is acidic and polar, with tyrosine, which is neutral and polar, at codon 420 of the POT1 protein (p.Asp420Tyr). In summary, the available evidence is currently insufficient to determine the role of this variant in disease. Therefore, it has been classified as a Variant of Uncertain Significance.

Ambry Genetics
Classification: Uncertain significance for Hereditary cancer-predisposing syndrome. Last evaluated: 2022-06-11. Review status: criteria provided, single submitter. Criteria: Ambry Variant Classification Scheme 2023. Collection method: clinical testing. Allele origin: germline.
Comment: The p.D420Y variant (also known as c.1258G>T), located in coding exon 10 of the POT1 gene, results from a G to T substitution at nucleotide position 1258. The aspartic acid at codon 420 is replaced by tyrosine, an amino acid with highly dissimilar properties. This amino acid position is conserved. In addition, this alteration is predicted to be tolerated by in silico analysis. Since supporting evidence is limited at this time, the clinical significance of this alteration remains unclear.

NM_015450.3(POT1):c.1258G>T (p.Asp420Tyr)

Gene: POT1 (protection of telomeres 1; minus strand). Cytogenetic location: 7q31.33.
Variant type: single nucleotide variant.
Coding change: c.1258G>T on transcript NM_015450.3 (MANE Select); coding-DNA position 1258, G replaced by T.
Protein change: p.Asp420Tyr; replaces aspartic acid 420 with tyrosine.
Molecular consequence: missense variant. On other transcripts: non-coding transcript variant (3).
Genome position (GRCh38, 1-based): chr7:124,841,084, C>A on the plus strand (G>T on the coding strand, the complement: POT1 is on the minus strand). VCF-style: chr7-124841084-C-A. GRCh37 (hg19) VCF-style: chr7-124481138-C-A.
Other names: c.865G>T, p.Asp289Tyr (NM_001042594.2); short protein forms D289Y, D420Y.
Identifiers: ClinVar variation 955860 (VCV000955860.12), dbSNP rs1795016740, ClinGen allele CA369067381.